The following is an entry in ClinVar:

NM_001298.3(CNGA3):c.587A>G (p.Gln196Arg)

Gene: CNGA3 (cyclic nucleotide gated channel subunit alpha 3; plus strand). Cytogenetic location: 2q11.2.
Variant type: single nucleotide variant.
Coding change: c.587A>G on transcript NM_001298.3 (MANE Select); coding-DNA position 587, A replaced by G.
Protein change: p.Gln196Arg; replaces glutamine 196 with arginine.
Molecular consequence: missense variant.
Genome position (GRCh38, 1-based): chr2:98,391,884, A>G. VCF-style: chr2-98391884-A-G. GRCh37 (hg19) VCF-style: chr2-99008347-A-G.
Other names: c.533A>G, p.Gln178Arg (NM_001079878.2); short protein forms Q196R, Q178R.
Identifiers: ClinVar variation 1348791 (VCV001348791.8), dbSNP rs1692797868, ClinGen allele CA347831716.

ClinVar aggregate classification (germline): Pathogenic (1 of 4 stars; one submission).

Submission:

Labcorp Genetics (formerly Invitae), Labcorp
Classification: Pathogenic. Last evaluated: 2023-10-13. Review status: criteria provided, single submitter. Criteria: Invitae Variant Classification Sherloc (09022015). Collection method: clinical testing. Allele origin: germline.
Comment: This sequence change replaces glutamine, which is neutral and polar, with arginine, which is basic and polar, at codon 196 of the CNGA3 protein (p.Gln196Arg). This variant is not present in population databases (gnomAD no frequency). This missense change has been observed in individual(s) with CNGA3-related cnditions (PMID: 32913385; Invitae). In at least one individual the data is consistent with being in trans (on the opposite chromosome) from a pathogenic variant. ClinVar contains an entry for this variant (Variation ID: 1348791). Advanced modeling of protein sequence and biophysical properties (such as structural, functional, and spatial information, amino acid conservation, physicochemical variation, residue mobility, and thermodynamic stability) performed at Invitae indicates that this missense variant is expected to disrupt CNGA3 protein function. For these reasons, this variant has been classified as Pathogenic.

Literature cited by the submitters: PubMed 32913385.